The following is an entry in ClinVar:

NM_206933.4(USH2A):c.15346C>T (p.Arg5116Cys)

Gene: USH2A (usherin; minus strand). Cytogenetic location: 1q41.
Variant type: single nucleotide variant.
Coding change: c.15346C>T on transcript NM_206933.4 (MANE Select); coding-DNA position 15346, C replaced by T.
Protein change: p.Arg5116Cys; replaces arginine 5116 with cysteine.
Molecular consequence: missense variant.
Genome position (GRCh38, 1-based): chr1:215,628,987, G>A on the plus strand (C>T on the coding strand, the complement: USH2A is on the minus strand). VCF-style: chr1-215628987-G-A. GRCh37 (hg19) VCF-style: chr1-215802329-G-A.
Other names: c.15346C>T (NM_206933.2); short protein forms R5116C.
Identifiers: ClinVar variation 1484122 (VCV001484122.9), dbSNP rs759899869, ClinGen allele CA1392701.

ClinVar aggregate classification (germline): Uncertain significance. Review status: criteria provided, multiple submitters, no conflicts (2 of 4 stars). 5 submissions from 4 submitters: Uncertain significance (5). Last evaluated 2025-01-21.

Conditions:
Inborn genetic diseases. Identifiers: MedGen C0950123, MeSH D030342.
Retinitis pigmentosa 39 (RP39). Identifiers: Orphanet 791, MedGen C3151138, MONDO:0013436, OMIM 613809.
Usher syndrome type 2A. Also called: RETINAL DISEASE IN USHER SYNDROME TYPE IIA, MODIFIER OF; USHER SYNDROME, TYPE IIA. Identifiers: Orphanet 231178, Orphanet 886, MedGen C1848634, MONDO:0010169, OMIM 276901.

Allele frequency attached by ClinVar (database versions not stated): gnomAD exomes below 0.00001 and 0.00001; TOPMed below 0.00001; gnomAD 0.00001; ExAC 0.00002.
gnomAD v4.1: 8 of 1,613,686 alleles (0.0005%); highest among the groups gnomAD compares: South Asian, 0.0033%; no homozygotes.

Submissions (5):

GeneDx
Classification: Uncertain significance. Last evaluated: 2025-01-21. Review status: criteria provided, single submitter. Criteria: GeneDx Variant Classification Process June 2021. Collection method: clinical testing. Allele origin: germline. Affected: yes.
Comment: In silico analysis supports that this missense variant has a deleterious effect on protein structure/function; Has not been previously published as pathogenic or benign to our knowledge

Genome-Nilou Lab
Classification: Uncertain significance for Retinitis pigmentosa 39. Last evaluated: 2023-11-04. Review status: criteria provided, single submitter. Criteria: ACMG Guidelines, 2015. Collection method: clinical testing. Allele origin: germline. Affected: no.

Genome-Nilou Lab
Classification: Uncertain significance for Usher syndrome type 2A. Last evaluated: 2023-11-04. Review status: criteria provided, single submitter. Criteria: ACMG Guidelines, 2015. Collection method: clinical testing. Allele origin: germline. Affected: no.

Labcorp Genetics (formerly Invitae), Labcorp
Classification: Uncertain significance. Last evaluated: 2023-08-10. Review status: criteria provided, single submitter. Criteria: Invitae Variant Classification Sherloc (09022015). Collection method: clinical testing. Allele origin: germline.
Comment: In summary, the available evidence is currently insufficient to determine the role of this variant in disease. Therefore, it has been classified as a Variant of Uncertain Significance. Advanced modeling of protein sequence and biophysical properties (such as structural, functional, and spatial information, amino acid conservation, physicochemical variation, residue mobility, and thermodynamic stability) performed at Invitae indicates that this missense variant is not expected to disrupt USH2A protein function. ClinVar contains an entry for this variant (Variation ID: 1484122). This variant has not been reported in the literature in individuals affected with USH2A-related conditions. This variant is present in population databases (rs759899869, gnomAD 0.01%). This sequence change replaces arginine, which is basic and polar, with cysteine, which is neutral and slightly polar, at codon 5116 of the USH2A protein (p.Arg5116Cys).

Ambry Genetics
Classification: Uncertain significance for Inborn genetic diseases. Last evaluated: 2022-02-11. Review status: criteria provided, single submitter. Criteria: Ambry Variant Classification Scheme 2023. Collection method: clinical testing. Allele origin: germline.